The following is an entry in ClinVar:

ClinVar aggregate classification (germline): Uncertain significance (1 of 4 stars; one submission).

Conditions:
Hereditary cancer-predisposing syndrome. Also called: Neoplastic Syndromes, Hereditary; Tumor predisposition; Hereditary Cancer Syndrome; Hereditary neoplastic syndrome. Identifiers: Orphanet 140162, MedGen C0027672, MeSH D009386, MONDO:0015356.

Submission:

Ambry Genetics
Classification: Uncertain significance for Hereditary cancer-predisposing syndrome. Last evaluated: 2026-04-25. Review status: criteria provided, single submitter. Criteria: Ambry Variant Classification Scheme 2023. Collection method: clinical testing. Allele origin: germline.
Comment: The p.T1394K variant (also known as c.4181C>A), located in coding exon 21 of the DICER1 gene, results from a C to A substitution at nucleotide position 4181. The threonine at codon 1394 is replaced by lysine, an amino acid with similar properties. This amino acid position is conserved. In addition, the in silico prediction for this alteration is inconclusive. Based on the available evidence, the clinical significance of this variant remains unclear.

NM_177438.3(DICER1):c.4181C>A (p.Thr1394Lys)

Gene: DICER1 (dicer 1, ribonuclease III; minus strand). Cytogenetic location: 14q32.13.
Variant type: single nucleotide variant.
Coding change: c.4181C>A on transcript NM_177438.3 (MANE Select); coding-DNA position 4181, C replaced by A.
Protein change: p.Thr1394Lys; replaces threonine 1394 with lysine.
Molecular consequence: missense variant. On other transcripts: non-coding transcript variant (6).
Genome position (GRCh38, 1-based): chr14:95,099,805, G>T on the plus strand (C>A on the coding strand, the complement: DICER1 is on the minus strand). VCF-style: chr14-95099805-G-T. GRCh37 (hg19) VCF-style: chr14-95566142-G-T.
Other names: c.4181C>A, p.Thr1394Lys (NM_001195573.1, NM_001271282.3, NM_001291628.2 and 12 more transcripts); c.3899C>A, p.Thr1300Lys (NM_001395686.1); c.3776C>A, p.Thr1259Lys (NM_001395687.1, NM_001395688.1, NM_001395689.1 and 2 more transcripts); c.3614C>A, p.Thr1205Lys (NM_001395691.1); c.2498C>A, p.Thr833Lys (NM_001395697.1); short protein forms T1205K, T1259K, T1300K, T1394K, T833K.
Identifiers: ClinVar variation 4869769 (VCV004869769.1).